The following is an entry in ClinVar:

ClinVar aggregate classification (germline): Uncertain significance. Review status: criteria provided, multiple submitters, no conflicts (2 of 4 stars). 2 submissions from 2 submitters: Uncertain significance (2). Last evaluated 2025-10-18.

Conditions:
Joubert syndrome 23 (JBTS23). Identifiers: Orphanet 475, MedGen C4084822, MONDO:0014664, OMIM 616490.
Short-rib thoracic dysplasia 14 with polydactyly (SRTD14). Identifiers: Orphanet 397715, MedGen C4225286, MONDO:0014688, OMIM 616546.
Inborn genetic diseases. Identifiers: MedGen C0950123, MeSH D030342.

Allele frequency attached by ClinVar (database versions not stated): TOPMed 0.00001; ExAC 0.00002; gnomAD exomes 0.00001.
gnomAD v4.1: 15 of 1,612,750 alleles (0.00093%); highest among the groups gnomAD compares: Non-Finnish European, 0.0013%; no homozygotes.

Submissions (2):

Ambry Genetics
Classification: Uncertain significance for Inborn genetic diseases. Last evaluated: 2025-10-18. Review status: criteria provided, single submitter. Criteria: Ambry Variant Classification Scheme 2023. Collection method: clinical testing. Allele origin: germline.

Labcorp Genetics (formerly Invitae), Labcorp
Classification: Uncertain significance for Joubert syndrome 23; Short-rib thoracic dysplasia 14 with polydactyly. Last evaluated: 2022-06-20. Review status: criteria provided, single submitter. Criteria: Invitae Variant Classification Sherloc (09022015). Collection method: clinical testing. Allele origin: germline.
Comment: This variant has not been reported in the literature in individuals affected with KIAA0586-related conditions. In summary, the available evidence is currently insufficient to determine the role of this variant in disease. Therefore, it has been classified as a Variant of Uncertain Significance. Algorithms developed to predict the effect of missense changes on protein structure and function are either unavailable or do not agree on the potential impact of this missense change (SIFT: "Deleterious"; PolyPhen-2: "Possibly Damaging"; Align-GVGD: "Class C0"). This variant is present in population databases (rs752429234, gnomAD 0.002%). This sequence change replaces proline, which is neutral and non-polar, with leucine, which is neutral and non-polar, at codon 1418 of the KIAA0586 protein (p.Pro1418Leu).

NM_001329943.3(KIAA0586):c.4094C>T (p.Pro1365Leu)

Gene: KIAA0586 (KIAA0586; plus strand). Cytogenetic location: 14q23.1.
Variant type: single nucleotide variant.
Coding change: c.4094C>T on transcript NM_001329943.3 (MANE Select); coding-DNA position 4094, C replaced by T.
Protein change: p.Pro1365Leu; replaces proline 1365 with leucine.
Molecular consequence: missense variant.
Genome position (GRCh38, 1-based): chr14:58,498,886, C>T. VCF-style: chr14-58498886-C-T. GRCh37 (hg19) VCF-style: chr14-58965604-C-T.
Other names: c.4253C>T, p.Pro1418Leu (NM_001244189.2); c.4049C>T, p.Pro1350Leu (NM_001244190.2); c.3839C>T, p.Pro1280Leu (NM_001244191.2, NM_001329945.2, NM_001364700.1 and 1 more transcripts); c.3962C>T, p.Pro1321Leu (NM_001244192.2, NM_001329947.2); c.3674C>T, p.Pro1225Leu (NM_001244193.2); c.4094C>T, p.Pro1365Leu (NM_001329944.2, NM_001329946.2); c.3866C>T, p.Pro1289Leu (NM_014749.5); c.3866C>T (NM_014749.3); short protein forms P1225L, P1321L, P1280L, P1289L, P1365L, P1350L, P1418L.
Identifiers: ClinVar variation 1516653 (VCV001516653.6), dbSNP rs752429234, ClinGen allele CA7206317.